The following is an entry in ClinVar:

ClinVar aggregate classification (germline): Uncertain significance. Review status: criteria provided, multiple submitters, no conflicts (2 of 4 stars). 4 submissions from 4 submitters: Uncertain significance (4). Last evaluated 2023-10-23.

Conditions:
Inborn genetic diseases. Identifiers: MedGen C0950123, MeSH D030342.
Wilson disease (WND). Also called: Wilson's disease. Identifiers: Orphanet 905, MedGen C0019202, MONDO:0010200, OMIM 277900. Disease mechanism: loss of function.

Allele frequency attached by ClinVar (database versions not stated): gnomAD exomes below 0.00001 and 0.00001; TOPMed 0.00001; gnomAD 0.00002.
gnomAD v4.1: 10 of 1,614,114 alleles (0.00062%); highest among the groups gnomAD compares: South Asian, 0.0022%; no homozygotes.

Submissions (4):

All of Us Research Program, National Institutes of Health
Classification: Uncertain significance for Wilson disease. Last evaluated: 2023-10-23. Review status: criteria provided, single submitter. Criteria: ACMG Guidelines, 2015. Collection method: clinical testing. Allele origin: germline. Inheritance: Autosomal recessive inheritance. Observed: 2 variant alleles, 2 heterozygotes.
Comment: This missense variant replaces alanine with valine at codon 740 of the ATP7B protein. Computational prediction suggests that this variant may have deleterious impact on protein structure and function (internally defined REVEL score threshold >= 0.7, PMID: 27666373). Although functional studies have not been reported for this variant, it alters a conserved proline residue in the transmembrane domain M1 of the ATP7B protein (a.a. 731 - 754), a highly conserved region that is considered to be important for ATP7B protein function (PMID: 35245129; ClinVar). This variant has not been reported in individuals affected with ATP7B-related disorders in the literature. This variant has been identified in 2/281004 chromosomes in the general population by the Genome Aggregation Database (gnomAD). The available evidence is insufficient to determine the role of this variant in disease conclusively. Therefore, this variant is classified as a Variant of Uncertain Significance.

This study involves interpretation of variants in research participants for the purpose of population health screening. Participant phenotype was not available at the time of variant classification. Additional details can be found in publication PMID: 35346344, PMCID: PMC8962531

Color Diagnostics, LLC DBA Color Health
Classification: Uncertain significance for Wilson disease. Last evaluated: 2023-07-31. Review status: criteria provided, single submitter. Criteria: ACMG Guidelines, 2015. Collection method: clinical testing. Allele origin: germline.
Comment: This missense variant replaces alanine with valine at codon 740 of the ATP7B protein. Computational prediction suggests that this variant may have deleterious impact on protein structure and function. Although functional studies have not been reported for this variant, it alters a conserved proline residue in the transmembrane domain M1 of the ATP7B protein (a.a. 731 - 754), a highly conserved region that is considered to be important for ATP7B protein function (PMID: 35245129ClinVar). This variant has not been reported in individuals affected with ATP7B-related disorders in the literature. This variant has been identified in 2/281004 chromosomes in the general population by the Genome Aggregation Database (gnomAD). The available evidence is insufficient to determine the role of this variant in disease conclusively. Therefore, this variant is classified as a Variant of Uncertain Significance.

Labcorp Genetics (formerly Invitae), Labcorp
Classification: Uncertain significance for Wilson disease. Last evaluated: 2022-10-24. Review status: criteria provided, single submitter. Criteria: Invitae Variant Classification Sherloc (09022015). Collection method: clinical testing. Allele origin: germline.
Comment: This sequence change replaces alanine, which is neutral and non-polar, with valine, which is neutral and non-polar, at codon 740 of the ATP7B protein (p.Ala740Val). This variant is present in population databases (no rsID available, gnomAD 0.003%). This variant has not been reported in the literature in individuals affected with ATP7B-related conditions. ClinVar contains an entry for this variant (Variation ID: 1384389). Advanced modeling of protein sequence and biophysical properties (such as structural, functional, and spatial information, amino acid conservation, physicochemical variation, residue mobility, and thermodynamic stability) performed at Invitae indicates that this missense variant is not expected to disrupt ATP7B protein function. In summary, the available evidence is currently insufficient to determine the role of this variant in disease. Therefore, it has been classified as a Variant of Uncertain Significance.

Ambry Genetics
Classification: Uncertain significance for Inborn genetic diseases. Last evaluated: 2014-11-19. Review status: criteria provided, single submitter. Criteria: Ambry Variant Classification Scheme 2023. Collection method: clinical testing. Allele origin: germline.
Comment: The p.A740V variant (also known as c.2219C>T), located in coding exon 8 of the ATP7B gene, results from a C to T substitution at nucleotide position 2219. The alanine at codon 740 is replaced by valine, an amino acid with similar properties. This variant was not reported in population based cohorts in the following databases: Database of Single Nucleotide Polymorphisms (dbSNP), NHLBI Exome Sequencing Project (ESP), and 1000 Genomes Project. In the ESP, this variant was not observed in 6320 samples (12640 alleles) with coverage at this position. This amino acid position is well conserved in available vertebrate species. In addition, this alteration is predicted to be deleterious by in silico analysis. Based on available evidence to date, the clinical significance of this variant remains unclear.

Literature cited by the submitters: PubMed 35245129 (cited by All of Us Research Program, National Institutes of Health and Color Diagnostics, LLC DBA Color Health).

NM_000053.4(ATP7B):c.2219C>T (p.Ala740Val)

Gene: ATP7B (ATPase copper transporting beta; minus strand). Cytogenetic location: 13q14.3.
Variant type: single nucleotide variant.
Coding change: c.2219C>T on transcript NM_000053.4 (MANE Select); coding-DNA position 2219, C replaced by T.
Protein change: p.Ala740Val; replaces alanine 740 with valine.
Molecular consequence: missense variant. On other transcripts: intron variant (2).
Genome position (GRCh38, 1-based): chr13:51,958,447, G>A on the plus strand (C>T on the coding strand, the complement: ATP7B is on the minus strand). VCF-style: chr13-51958447-G-A. GRCh37 (hg19) VCF-style: chr13-52532583-G-A.
Other names: c.1886C>T, p.Ala629Val (NM_001243182.2); c.1967C>T, p.Ala656Val (NM_001330579.2); c.1870-840C>T (NM_001005918.3); c.2122-840C>T (NM_001330578.2); short protein forms A629V, A656V, A740V.
Identifiers: ClinVar variation 1384389 (VCV001384389.9), dbSNP rs1406386204, ClinGen allele CA388022564.